The following is an entry in ClinVar:

ClinVar aggregate classification (germline): Uncertain significance. Review status: criteria provided, multiple submitters, no conflicts (2 of 4 stars). 2 submissions from 2 submitters: Uncertain significance (2). Last evaluated 2025-04-14.

Conditions:
Inborn genetic diseases. Identifiers: MedGen C0950123, MeSH D030342.

gnomAD v4.1: 31 of 1,614,086 alleles (0.0019%); highest among the groups gnomAD compares: African/African-American, 0.021%; no homozygotes.

Submissions (2):

Ambry Genetics
Classification: Uncertain significance for Inborn genetic diseases. Last evaluated: 2025-04-14. Review status: criteria provided, single submitter. Criteria: Ambry Variant Classification Scheme 2023. Collection method: clinical testing. Allele origin: germline.

GeneDx
Classification: Uncertain significance. Last evaluated: 2024-09-16. Review status: criteria provided, single submitter. Criteria: GeneDx Variant Classification Process June 2021. Collection method: clinical testing. Allele origin: germline. Affected: yes.
Comment: In silico analysis indicates that this missense variant does not alter protein structure/function; Has not been previously published as pathogenic or benign to our knowledge

NM_001127.4(AP1B1):c.1702G>A (p.Gly568Ser)

Gene: AP1B1 (adaptor related protein complex 1 subunit beta 1; minus strand). Cytogenetic location: 22q12.2.
Variant type: single nucleotide variant.
Coding change: c.1702G>A on transcript NM_001127.4 (MANE Select); coding-DNA position 1702, G replaced by A.
Protein change: p.Gly568Ser; replaces glycine 568 with serine.
Molecular consequence: missense variant.
Genome position (GRCh38, 1-based): chr22:29,341,595, C>T on the plus strand (G>A on the coding strand, the complement: AP1B1 is on the minus strand). VCF-style: chr22-29341595-C-T. GRCh37 (hg19) VCF-style: chr22-29737584-C-T.
Other names: c.1702G>A, p.Gly568Ser (NM_001166019.2, NM_001378562.1, NM_001378563.1 and 2 more transcripts); c.1531G>A, p.Gly511Ser (NM_001378564.1, NM_001378565.1); short protein forms G511S, G568S.
Identifiers: ClinVar variation 3769843 (VCV003769843.2).